The following is an entry in ClinVar:

NM_001018005.2(TPM1):c.586G>T (p.Glu196Ter)

Gene: TPM1 (tropomyosin 1; plus strand). Cytogenetic location: 15q22.2.
Variant type: single nucleotide variant.
Coding change: c.586G>T on transcript NM_001018005.2 (MANE Select); coding-DNA position 586, G replaced by T.
Protein change: p.Glu196Ter; replaces glutamic acid 196 with a stop codon.
Molecular consequence: nonsense. On other transcripts: intron variant (6).
Genome position (GRCh38, 1-based): chr15:63,061,735, G>T. VCF-style: chr15-63061735-G-T. GRCh37 (hg19) VCF-style: chr15-63353934-G-T.
Other names: c.586G>T, p.Glu196Ter (NM_001365777.1, NM_001365779.1, NM_001018004.2 and 3 more transcripts); c.478G>T, p.Glu160Ter (NM_001365782.1, NM_001365780.1, NM_001018008.2 and 2 more transcripts); c.639+462G>T (NM_001018020.2, NM_001018006.2, NM_000366.6); c.712G>T, p.Glu238Ter (NM_001365778.1); c.531+462G>T (NM_001330351.2, NM_001330344.2, NM_001365781.2); short protein forms E160*, E238*, E196*.
Identifiers: ClinVar variation 924145 (VCV000924145.8), dbSNP rs1131003, ClinGen allele CA392724115.

ClinVar aggregate classification (germline): Conflicting classifications of pathogenicity. Review status: criteria provided, conflicting classifications (1 of 4 stars). 3 submissions from 3 submitters: Likely pathogenic (1); Uncertain significance (2). Last evaluated 2022-08-21.

Conditions:
Hypertrophic cardiomyopathy 3. Also called: TPM1-Related Familial Hypertrophic Cardiomyopathy. Identifiers: MedGen C1861863, MONDO:0007267, OMIM 115196.
Hypertrophic cardiomyopathy. Also called: HYPERTROPHIC MYOCARDIOPATHY. Identifiers: Orphanet 217569, MedGen C0007194, MeSH D002312, MONDO:0005045, HP:0001639.
Cardiomyopathy (CMYO). Also called: Cardiomyopathies. Identifiers: Orphanet 167848, MedGen C0878544, MONDO:0004994, HP:0001638. Inheritance: Various modes of inheritance.

Allele frequency attached by ClinVar (database versions not stated): gnomAD exomes below 0.00001.
gnomAD v4.1: 3 of 1,614,092 alleles (0.00019%); highest among the groups gnomAD compares: South Asian, 0.0033%; no homozygotes.

Submissions (3):

Labcorp Genetics (formerly Invitae), Labcorp
Classification: Uncertain significance for Hypertrophic cardiomyopathy. Last evaluated: 2022-08-21. Review status: criteria provided, single submitter. Criteria: Invitae Variant Classification Sherloc (09022015). Collection method: clinical testing. Allele origin: germline.
Comment: ClinVar contains an entry for this variant (Variation ID: 924145). In summary, the available evidence is currently insufficient to determine the role of this variant in disease. Therefore, it has been classified as a Variant of Uncertain Significance. This variant has not been reported in the literature in individuals affected with TPM1-related conditions. This variant is not present in population databases (gnomAD no frequency). This sequence change creates a premature translational stop signal (p.Glu196*) in the TPM1 gene. It is expected to result in an absent or disrupted protein product. However, the current clinical and genetic evidence is not sufficient to establish whether loss-of-function variants in TPM1 cause disease.

Color Diagnostics, LLC DBA Color Health
Classification: Uncertain significance for Cardiomyopathy. Last evaluated: 2020-08-18. Review status: criteria provided, single submitter. Criteria: ACMG Guidelines, 2015. Collection method: clinical testing. Allele origin: germline.
Comment: This variant changes 1 nucleotide in exon 6 of the TPM1 gene, creating a premature translation stop signal. This variant is expected to result in an absent or non-functional protein product. To our knowledge, this variant has not been reported in individuals affected with cardiovascular disorders in the literature. This variant has not been identified in the general population by the Genome Aggregation Database (gnomAD). Clinical relevance of loss-of-function truncation and splice variants in the TPM1 gene is not clearly established. The available evidence is insufficient to determine the role of this variant in disease conclusively. Therefore, this variant is classified as a Variant of Uncertain Significance.

Lifecell International Pvt. Ltd
Classification: Likely pathogenic for Hypertrophic cardiomyopathy 3. Review status: criteria provided, single submitter. Criteria: ACMG Guidelines, 2015. Collection method: clinical testing. Allele origin: germline. Inheritance: Autosomal dominant inheritance. Affected: yes. Observed: 1 heterozygote.
Comment: A Heterozygous Nonsense variant c.586G>T in Exon 6 of the TPM1 gene that results in the amino acid substitution p.Glu196* was identified. The observed variant has a minimum allele frequency of 0% in gnomAD exomes and genomes, respectively. The severity of the impact of this variant on the protein is high, based on the effect of the protein and REVEL score. Rare Exome Variant Ensemble Learner (REVEL) is an ensembl method for predicting the pathogenicity of missense variants based on a combination of scores from 13 individual tools: MutPred, FATHMM v2.3, VEST 3.0, PolyPhen-2, SIFT, PROVEAN, MutationAssessor, MutationTaster, LRT, GERP++, SiPhy, phyloP, and phastCons. The REVEL score for an individual missense variant can range from 0 to 1, with higher scores reflecting greater likelihood that the variant is disease-causing. ClinVar has also classified this variant as Uncertain Significance with 1 star, criteria provided, single submitter (Variant ID: 924145). Based on the above evidence this variant has been classified as Likely Pathogenic according to the ACMG guidelines.